The following is an entry in ClinVar:

ClinVar aggregate classification (germline): Pathogenic (1 of 4 stars; one submission).

Conditions:
Generalized epilepsy with febrile seizures plus, type 9 (GEFSP9). Also called: GEFS+, TYPE 9. Identifiers: Orphanet 36387, MedGen C4015395, MONDO:0014517, OMIM 616172.

Submission:

Labcorp Genetics (formerly Invitae), Labcorp
Classification: Pathogenic for Generalized epilepsy with febrile seizures plus, type 9. Last evaluated: 2025-01-27. Review status: criteria provided, single submitter. Criteria: Invitae Variant Classification Sherloc (09022015). Collection method: clinical testing. Allele origin: germline.
Comment: This sequence change results in a frameshift in the STX1B gene (p.Val272Glyfs*82). While this is not anticipated to result in nonsense mediated decay, it is expected to disrupt the last 17 amino acid(s) of the STX1B protein and extend the protein by 64 additional amino acid residues. This variant is not present in population databases (gnomAD no frequency). This variant has not been reported in the literature in individuals affected with STX1B-related conditions. ClinVar contains an entry for this variant (Variation ID: 2748620). Experimental studies and prediction algorithms are not available or were not evaluated, and the functional significance of this variant is currently unknown. Algorithms developed to predict the effect of sequence changes on RNA splicing suggest that this variant may create or strengthen a splice site. This variant disrupts a region of the STX1B protein in which other variant(s) (p.Gly275Arg) have been determined to be pathogenic (internal data). This suggests that this is a clinically significant region of the protein, and that variants that disrupt it are likely to be disease-causing. For these reasons, this variant has been classified as Pathogenic.

NM_052874.5(STX1B):c.815del (p.Val272fs)

Gene: STX1B (syntaxin 1B; minus strand). Cytogenetic location: 16p11.2.
Variant type: Deletion.
Coding change: c.815del on transcript NM_052874.5 (MANE Select); coding-DNA position 815, one base deleted (T; older notation c.815delT).
Protein change: p.Val272fs; shifts the reading frame from valine 272.
Molecular consequence: frameshift variant.
Genome position (GRCh38, 1-based): chr16:30,992,873, A deleted on the plus strand (T on the coding strand, the reverse complement: STX1B is on the minus strand). VCF-style (leftmost placement, unchanged base first): chr16-30992872-CA-C. GRCh37 (hg19) VCF-style: chr16-31004193-CA-C.
Other names: short protein forms V272fs.
Identifiers: ClinVar variation 2748620 (VCV002748620.3), dbSNP rs2543953753, ClinGen allele CA2697555773.